The following is an entry in ClinVar:

ClinVar aggregate classification (germline): Uncertain significance (1 of 4 stars; one submission).

Conditions:
Spastic paraplegia. Identifiers: MedGen C0037772, HP:0001258.

Allele frequency attached by ClinVar (database versions not stated): TOPMed below 0.00001; ExAC 0.00002; gnomAD exomes 0.00002.
gnomAD v4.1: 30 of 1,614,218 alleles (0.0019%); highest among the groups gnomAD compares: Non-Finnish European, 0.0022%; no homozygotes.

Submission:

Labcorp Genetics (formerly Invitae), Labcorp
Classification: Uncertain significance for Spastic paraplegia. Last evaluated: 2024-10-21. Review status: criteria provided, single submitter. Criteria: Invitae Variant Classification Sherloc (09022015). Collection method: clinical testing. Allele origin: germline.
Comment: This sequence change replaces arginine, which is basic and polar, with glutamine, which is neutral and polar, at codon 544 of the KIF5A protein (p.Arg544Gln). This variant is present in population databases (rs778864713, gnomAD 0.004%). This variant has not been reported in the literature in individuals affected with KIF5A-related conditions. ClinVar contains an entry for this variant (Variation ID: 1497877). Invitae Evidence Modeling of protein sequence and biophysical properties (such as structural, functional, and spatial information, amino acid conservation, physicochemical variation, residue mobility, and thermodynamic stability) has been performed for this missense variant. However, the output from this modeling did not meet the statistical confidence thresholds required to predict the impact of this variant on KIF5A protein function. In summary, the available evidence is currently insufficient to determine the role of this variant in disease. Therefore, it has been classified as a Variant of Uncertain Significance.

NM_004984.4(KIF5A):c.1631G>A (p.Arg544Gln)

Gene: KIF5A (kinesin family member 5A; plus strand). Cytogenetic location: 12q13.3.
Variant type: single nucleotide variant.
Coding change: c.1631G>A on transcript NM_004984.4 (MANE Select); coding-DNA position 1631, G replaced by A.
Protein change: p.Arg544Gln; replaces arginine 544 with glutamine.
Molecular consequence: missense variant.
Genome position (GRCh38, 1-based): chr12:57,572,641, G>A. VCF-style: chr12-57572641-G-A. GRCh37 (hg19) VCF-style: chr12-57966424-G-A.
Other names: c.1364G>A, p.Arg455Gln (NM_001354705.2); short protein forms R455Q, R544Q.
Identifiers: ClinVar variation 1497877 (VCV001497877.6), dbSNP rs778864713, ClinGen allele CA6652886.